The following is an entry in ClinVar:

ClinVar aggregate classification (germline): Uncertain significance (1 of 4 stars; one submission).

Conditions:
Ullrich congenital muscular dystrophy 2 (UCMD2). Identifiers: Orphanet 75840, MedGen C4225314, MONDO:0014654, OMIM 616470.
Bethlem myopathy 2 (BTHLM2). Identifiers: Orphanet 536516, Orphanet 610, MedGen C4225313, MONDO:0034022, OMIM 616471.

gnomAD v4.1: 4 of 1,613,322 alleles (0.00025%); highest among the groups gnomAD compares: Non-Finnish European, 0.00034%; no homozygotes.

Submission:

Labcorp Genetics (formerly Invitae), Labcorp
Classification: Uncertain significance for Bethlem myopathy 2; Ullrich congenital muscular dystrophy 2. Last evaluated: 2024-06-08. Review status: criteria provided, single submitter. Criteria: Invitae Variant Classification Sherloc (09022015). Collection method: clinical testing. Allele origin: germline.
Comment: This sequence change falls in intron 30 of the COL12A1 gene. It does not directly change the encoded amino acid sequence of the COL12A1 protein. This variant is not present in population databases (gnomAD no frequency). This variant has not been reported in the literature in individuals affected with COL12A1-related conditions. Algorithms developed to predict the effect of sequence changes on RNA splicing suggest that this variant may disrupt the consensus splice site. In summary, the available evidence is currently insufficient to determine the role of this variant in disease. Therefore, it has been classified as a Variant of Uncertain Significance.

NM_004370.6(COL12A1):c.5252-15A>G

Gene: COL12A1 (collagen type XII alpha 1 chain; minus strand). Cytogenetic location: 6q13.
Variant type: single nucleotide variant.
Coding change: c.5252-15A>G on transcript NM_004370.6 (MANE Select); 15 bases into the intron before coding-DNA position 5252, A replaced by G.
Molecular consequence: intron variant.
Genome position (GRCh38, 1-based): chr6:75,137,594, T>C on the plus strand (A>G on the coding strand, the complement: COL12A1 is on the minus strand). VCF-style: chr6-75137594-T-C. GRCh37 (hg19) VCF-style: chr6-75847310-T-C.
Other names: c.1760-15A>G (NM_001424116.1, NM_080645.3); c.4979-15A>G (NM_001424115.1); c.5231-15A>G (NM_001424114.1); c.5252-15A>G (NM_001424113.1).
Identifiers: ClinVar variation 3749959 (VCV003749959.2).